The following is an entry in ClinVar:

NM_000135.4(FANCA):c.710-142_710-141dup

Gene: FANCA (FA complementation group A; minus strand). Cytogenetic location: 16q24.3.
Variant type: Duplication.
Coding change: c.710-142_710-141dup on transcript NM_000135.4 (MANE Select); 142 bases into the intron before coding-DNA position 710 through 141 bases into the intron before coding-DNA position 710, 2 bases duplicated (TC; older notation c.710-142_710-141dupTC).
Molecular consequence: intron variant.
Genome position (GRCh38, 1-based): chr16:89,803,482-89,803,483, GA duplicated on the plus strand (TC on the coding strand, the reverse complement: FANCA is on the minus strand); duplicating any 2 consecutive bases within chr16:89,803,482-89,803,484 gives the same sequence; the c. name uses the placement nearest the transcript's 3' end. VCF-style (leftmost placement, unchanged base first): chr16-89803481-T-TGA. GRCh37 (hg19) VCF-style: chr16-89869889-T-TGA.
Other names: c.710-142_710-141dup (NM_001286167.3, NM_001018112.3); c.614-142_614-141dup (NM_001351830.2); c.710-142_710-141dupTC (NM_000135.2).
Identifiers: ClinVar variation 973989 (VCV000973989.19), dbSNP rs17232344, ClinGen allele CA286605353.
Genomic context (GRCh38, chr16:89,803,481, plus strand): 5'-AGAGGGGCGGGTGAGCATATGGCTTGGGCCCACCAGGACCCCTGTGAGCTGCTCCTAACC[T>TGA]GAGGAACGCTGCAGAAGTTACTGCTCACCTGACCACAGCTACACTAGCGTTCACCAAACC-3'

ClinVar aggregate classification (germline): Benign/Likely benign. Review status: criteria provided, multiple submitters, no conflicts (2 of 4 stars). 8 submissions from 8 submitters: Benign (5); Likely benign (1). 2 of the submissions do not count toward it. Last evaluated 2025-10-01.

Conditions:
FANCA-related disorder. Also called: FANCA-related condition.
Fanconi anemia (FA). Also called: Fanconi's anemia. Identifiers: Orphanet 84, MedGen C0015625, MeSH D005199, MONDO:0019391.
Fanconi anemia complementation group A (FANCA). Also called: Fanconi anemia, group A; FANCA-Related Fanconi Anemia. Identifiers: Orphanet 84, MedGen C3469521, MONDO:0009215, OMIM 227650.

Submissions (8):

Labcorp Genetics (formerly Invitae), Labcorp
Classification: Benign for Fanconi anemia. Last evaluated: 2025-10-01. Review status: criteria provided, single submitter. Criteria: Invitae Variant Classification Sherloc (09022015). Collection method: clinical testing. Allele origin: germline.

Genomic Medicine Center of Excellence, King Faisal Specialist Hospital and Research Centre
Classification: Benign for Fanconi anemia complementation group A. Last evaluated: 2025-09-10. Review status: criteria provided, single submitter. Criteria: ACMG Guidelines, 2015. Collection method: clinical testing. Allele origin: germline.

Laboratory of Genetics, Children's Clinical University Hospital Latvia
Classification: Likely benign. Last evaluated: 2025-02-16. Review status: criteria provided, single submitter. Criteria: ACMG Guidelines, 2015. Collection method: clinical testing. Allele origin: germline. Affected: yes.

Mendelics
Classification: Benign. Last evaluated: 2022-05-04. Review status: criteria provided, single submitter. Criteria: Mendelics Assertion Criteria 2019. Collection method: clinical testing. Allele origin: germline.

Sema4
Classification: Benign for Fanconi anemia. Last evaluated: 2020-01-02. Review status: criteria provided, single submitter. Criteria: Sema4 Curation Guidelines. Collection method: curation. Allele origin: germline.

GeneDx
Classification: Benign. Last evaluated: 2019-03-20. Review status: criteria provided, single submitter. Criteria: GeneDx Variant Classification Process June 2021. Collection method: clinical testing. Allele origin: germline. Affected: yes.
Comment: This variant is associated with the following publications: (PMID: 17924555)

PreventionGenetics, part of Exact Sciences
Classification: Benign for FANCA-related condition. Last evaluated: 2022-06-02. Review status: no assertion criteria provided. Collection method: clinical testing. Allele origin: germline. Not counted in ClinVar's aggregate classification.
Comment: This variant is classified as benign based on ACMG/AMP sequence variant interpretation guidelines (Richards et al. 2015 PMID: 25741868, with internal and published modifications).

Leiden Open Variation Database
Classification: Pathogenic for Fanconi anemia complementation group A. Last evaluated: 2020-02-28. Review status: no assertion criteria provided. Collection method: curation. Allele origin: germline. Affected: yes. Not counted in ClinVar's aggregate classification.
Comment: Curator: Arleen D. Auerbach. Submitter to LOVD: Johan de Winter.

Literature cited by the submitters: PubMed 17924555 (cited by Leiden Open Variation Database).